The following is an entry in ClinVar:

ClinVar aggregate classification (germline): Uncertain significance (1 of 4 stars; one submission).

Submission:

Labcorp Genetics (formerly Invitae), Labcorp
Classification: Uncertain significance. Last evaluated: 2022-03-04. Review status: criteria provided, single submitter. Criteria: Invitae Variant Classification Sherloc (09022015). Collection method: clinical testing. Allele origin: germline.
Comment: This variant has not been reported in the literature in individuals affected with NCSTN-related conditions. This sequence change replaces valine, which is neutral and non-polar, with leucine, which is neutral and non-polar, at codon 605 of the NCSTN protein (p.Val605Leu). This variant is not present in population databases (gnomAD no frequency). Algorithms developed to predict the effect of missense changes on protein structure and function (SIFT, PolyPhen-2, Align-GVGD) all suggest that this variant is likely to be tolerated. In summary, the available evidence is currently insufficient to determine the role of this variant in disease. Therefore, it has been classified as a Variant of Uncertain Significance.

NM_015331.3(NCSTN):c.1813G>C (p.Val605Leu)

Gene: NCSTN (nicastrin; plus strand). Cytogenetic location: 1q23.2.
Variant type: single nucleotide variant.
Coding change: c.1813G>C on transcript NM_015331.3 (MANE Select); coding-DNA position 1813, G replaced by C.
Protein change: p.Val605Leu; replaces valine 605 with leucine.
Molecular consequence: missense variant. On other transcripts: intron variant (1).
Genome position (GRCh38, 1-based): chr1:160,357,059, G>C. VCF-style: chr1-160357059-G-C. GRCh37 (hg19) VCF-style: chr1-160326849-G-C.
Other names: c.1753G>C, p.Val585Leu (NM_001290184.2); c.1399G>C, p.Val467Leu (NM_001290186.2); c.1794+305G>C (NM_001349729.2); short protein forms V605L, V585L, V467L.
Identifiers: ClinVar variation 1966679 (VCV001966679.5), dbSNP rs2101910517, ClinGen allele CA343283161.
Genomic context (GRCh38, chr1:160,357,059, plus strand): 5'-AGGATCACCCTAGCCGTGTGTTGTGGCGCATCTTCTGTGCAGCTGTATGAGTACTCATGG[G>C]TCCAGGGCCCTTTGCATTCTAATGAGACGGACCGACTCCCCCGGTGTGTGCGTTCTACTG-3'
Protein context (NP_056146.1, residues 595-615): ENKDLYEYSW[Val605Leu]QGPLHSNETD